The following is an entry in ClinVar:

NM_001166108.2(PALLD):c.909A>T (p.Arg303Ser)

Gene: PALLD (palladin, cytoskeletal associated protein; plus strand). Cytogenetic location: 4q32.3.
Variant type: single nucleotide variant.
Coding change: c.909A>T on transcript NM_001166108.2 (MANE Select); coding-DNA position 909, A replaced by T.
Protein change: p.Arg303Ser; replaces arginine 303 with serine.
Molecular consequence: missense variant. On other transcripts: 5 prime UTR variant (1).
Genome position (GRCh38, 1-based): chr4:168,668,190, A>T. VCF-style: chr4-168668190-A-T. GRCh37 (hg19) VCF-style: chr4-169589341-A-T.
Other names: p.R303S:AGA>AGT; NC_000004.11:g.169589341A>T; c.-238A>T (NM_001166109.2); c.909A>T, p.Arg303Ser (NM_016081.4); short protein forms R303S.
Identifiers: ClinVar variation 128115 (VCV000128115.32), dbSNP rs138897963, ClinGen allele CA288381.

ClinVar aggregate classification (germline): Conflicting classifications of pathogenicity. Review status: criteria provided, conflicting classifications (1 of 4 stars). 4 submissions from 4 submitters: Uncertain significance (1); Benign (2). 1 of the submissions does not count toward it. Last evaluated 2022-03-01.

Conditions:
PALLD-related disorder. Also called: PALLD-related condition.
Pancreatic cancer, susceptibility to, 1. Identifiers: Orphanet 1333, MedGen C1847351, MONDO:0011739, OMIM 606856.

Allele frequency attached by ClinVar (database versions not stated): TOPMed 0.00042; 1000 Genomes Project 30x 0.00047; 1000 Genomes Project 0.00060; ESP Exome Variant Server 0.00062; gnomAD exomes 0.00103; ExAC 0.00105; gnomAD 0.00105 and 0.00108.
gnomAD v4.1: 1,119 of 1,613,570 alleles (0.069%); highest among the groups gnomAD compares: Non-Finnish European, 0.058%; 2 homozygotes.

Submissions (5):

CeGaT Center for Human Genetics Tuebingen
Classification: Benign. Last evaluated: 2022-03-01. Review status: criteria provided, single submitter. Criteria: CeGaT Center For Human Genetics Tuebingen Variant Classification Criteria Version 2. Collection method: clinical testing. Allele origin: germline. Affected: yes. Observed: 1 variant allele.
Comment: PALLD: BS1, BS2

Illumina Laboratory Services, Illumina
Classification: Benign for Pancreatic cancer, susceptibility to, 1. Last evaluated: 2018-01-13. Review status: criteria provided, single submitter. Criteria: ICSL Variant Classification Criteria 13 December 2019. Collection method: clinical testing. Allele origin: germline.
Comment: This variant was observed in the ICSL laboratory as part of a predisposition screen in an ostensibly healthy population. It had not been previously curated by ICSL or reported in the Human Gene Mutation Database (HGMD: prior to June 1st, 2018), and was therefore a candidate for classification through an automated scoring system. Utilizing variant allele frequency, disease prevalence and penetrance estimates, and inheritance mode, an automated score was calculated to assess if this variant is too frequent to cause the disease. Based on the score and internal cut-off values, a variant classified as benign is not then subjected to further curation. The score for this variant resulted in a classification of benign for this disease.

GeneDx
Classification: Uncertain significance. Last evaluated: 2014-01-29. Review status: criteria provided, single submitter. Criteria: GeneDx Variant Classification (06012015). Collection method: clinical testing. Allele origin: germline. Affected: yes.
Comment: PALLD has been only recently described in association with pancreatic cancer and the risks are not well understood. This variant is denoted PALLD c.909A>T at the cDNA level, p.Arg303Ser (R303S) at the protein level, and results in the change of an Arginine to a Serine (AGA>AGT). This variant has not, to our knowledge, been published in the literature as pathogenic or benign. PALLD Arg303Ser was observed with an allele frequency of 0.1% in 1000 Genomes and 0.1% in Europeans in the NHLBI Exome Sequencing Project, which is not frequent enough to be considered a polymorphism. This variant is a semi-conservative substitution in which a positive polar amino acid is replaced with a neutral polar one, altering a position that is well conserved throughout evolution and is located within the lg-like C2-type 1 domain (UniProt, InterPro). In silico analyses are inconsistent with regard to the effect this variant may have on protein structure and function, and predict this variant may weaken the nearby natural acceptor site. On a molecular level, the impact of this missense variant on protein structure and function is not known and thus we consider this to be a variant of uncertain significance. Furthermore, based on the currently available information, cancer risks associated with this variant, and the PALLD gene, remain unclear.

PreventionGenetics, part of Exact Sciences
Classification: Likely benign for PALLD-related condition. Last evaluated: 2020-02-12. Review status: no assertion criteria provided. Collection method: clinical testing. Allele origin: germline. Not counted in ClinVar's aggregate classification.
Comment: This variant is classified as likely benign based on ACMG/AMP sequence variant interpretation guidelines (Richards et al. 2015 PMID: 25741868, with internal and published modifications).

Dr. Peter K. Rogan Lab, Western University
No classification provided (evidence only). Condition: Gastric cancer. Review status: no classification provided. Collection method: in vitro. Allele origin: not applicable. Functional consequence: retained intron. Not counted in ClinVar's aggregate classification.